The following is an entry in ClinVar:

NM_000264.5(PTCH1):c.1862G>C (p.Arg621Thr)

Genes: PTCH1 (patched 1; minus strand), LOC100507346 (uncharacterized LOC100507346; plus strand). Cytogenetic location: 9q22.32.
Variant type: single nucleotide variant.
Coding change: c.1862G>C on transcript NM_000264.5 (MANE Select); coding-DNA position 1862, G replaced by C.
Protein change: p.Arg621Thr; replaces arginine 621 with threonine.
Molecular consequence: missense variant. On other transcripts: non-coding transcript variant (2).
Genome position (GRCh38, 1-based): chr9:95,469,139, C>G on the plus strand (G>C on the coding strand, the complement: PTCH1 is on the minus strand). VCF-style: chr9-95469139-C-G. GRCh37 (hg19) VCF-style: chr9-98231421-C-G.
Other names: c.1664G>C, p.Arg555Thr (NM_001083602.3); c.1859G>C, p.Arg620Thr (NM_001083603.3); c.1409G>C, p.Arg470Thr (NM_001083604.3, NM_001083605.3, NM_001083606.3 and 1 more transcripts); c.1706G>C, p.Arg569Thr (NM_001354918.2); short protein forms R470T, R555T, R569T, R620T, R621T.
Identifiers: ClinVar variation 4862644 (VCV004862644.1).
Genomic context (GRCh38, chr9:95,469,139, plus strand): 5'-GGGCTGTAGCGGGTATTGTCGTGTGTGTCGGTGTAGGCCTGAGGTTCAACCTGAATCACT[C>G]TGCTGACGCAGGGGCTGAAAGGAGGGGAAACATGTTGCAATGTTATGCTGAAACAGGGAA-3'
Protein context (NP_000255.2, residues 611-631): FCCFTSPCVS[Arg621Thr]VIQVEPQAYT

ClinVar aggregate classification (germline): Uncertain significance (1 of 4 stars; one submission).

Conditions:
Hereditary cancer-predisposing syndrome. Also called: Neoplastic Syndromes, Hereditary; Tumor predisposition; Hereditary Cancer Syndrome; Hereditary neoplastic syndrome. Identifiers: Orphanet 140162, MedGen C0027672, MeSH D009386, MONDO:0015356.

gnomAD v4.1: 2 of 1,614,092 alleles (0.00012%); highest among the groups gnomAD compares: Non-Finnish European, 0.000085%; no homozygotes.

Submission:

Ambry Genetics
Classification: Uncertain significance for Hereditary cancer-predisposing syndrome. Last evaluated: 2026-03-23. Review status: criteria provided, single submitter. Criteria: Ambry Variant Classification Scheme 2023. Collection method: clinical testing. Allele origin: germline.
Comment: The p.R621T variant (also known as c.1862G>C), located in coding exon 14 of the PTCH1 gene, results from a G to C substitution at nucleotide position 1862. The arginine at codon 621 is replaced by threonine, an amino acid with similar properties. This amino acid position is conserved. In addition, the in silico prediction for this alteration is inconclusive. Based on the available evidence, the clinical significance of this variant remains unclear.